The following is an entry in ClinVar:

NM_004360.5(CDH1):c.2570A>C (p.Gln857Pro)

Gene: CDH1 (cadherin 1; plus strand). Cytogenetic location: 16q22.1.
Variant type: single nucleotide variant.
Coding change: c.2570A>C on transcript NM_004360.5 (MANE Select); coding-DNA position 2570, A replaced by C.
Protein change: p.Gln857Pro; replaces glutamine 857 with proline.
Molecular consequence: missense variant.
Genome position (GRCh38, 1-based): chr16:68,833,420, A>C. VCF-style: chr16-68833420-A-C. GRCh37 (hg19) VCF-style: chr16-68867323-A-C.
Other names: c.2387A>C, p.Gln796Pro (NM_001317184.2); c.1022A>C, p.Gln341Pro (NM_001317185.2); c.605A>C, p.Gln202Pro (NM_001317186.2); short protein forms Q796P, Q202P, Q341P, Q857P.
Identifiers: ClinVar variation 3829983 (VCV003829983.1).

ClinVar aggregate classification (germline): Uncertain significance (1 of 4 stars; one submission).

Conditions:
Hereditary cancer-predisposing syndrome. Also called: Hereditary neoplastic syndrome; Neoplastic Syndromes, Hereditary; Tumor predisposition; Hereditary Cancer Syndrome. Identifiers: Orphanet 140162, MedGen C0027672, MeSH D009386, MONDO:0015356.

Submission:

Ambry Genetics
Classification: Uncertain significance for Hereditary cancer-predisposing syndrome. Last evaluated: 2025-01-07. Review status: criteria provided, single submitter. Criteria: Ambry Variant Classification Scheme 2023. Collection method: clinical testing. Allele origin: germline.
Comment: The p.Q857P variant (also known as c.2570A>C), located in coding exon 16 of the CDH1 gene, results from an A to C substitution at nucleotide position 2570. The glutamine at codon 857 is replaced by proline, an amino acid with similar properties. This amino acid position is conserved. In addition, this alteration is predicted to be deleterious by in silico analysis. Based on the available evidence, the clinical significance of this variant remains unclear.